The following is an entry in ClinVar:

NM_002470.4(MYH3):c.2696T>G (p.Leu899Trp)

Gene: MYH3 (myosin heavy chain 3; minus strand). Cytogenetic location: 17p13.1.
Variant type: single nucleotide variant.
Coding change: c.2696T>G on transcript NM_002470.4 (MANE Select); coding-DNA position 2696, T replaced by G.
Protein change: p.Leu899Trp; replaces leucine 899 with tryptophan.
Molecular consequence: missense variant.
Genome position (GRCh38, 1-based): chr17:10,639,789, A>C on the plus strand (T>G on the coding strand, the complement: MYH3 is on the minus strand). VCF-style: chr17-10639789-A-C. GRCh37 (hg19) VCF-style: chr17-10543106-A-C.
Other names: short protein forms L899W.
Identifiers: ClinVar variation 2959655 (VCV002959655.3), dbSNP rs1185406817, ClinGen allele CA398160659.
Genomic context (GRCh38, chr17:10,639,789, plus strand): 5'-TTGGCCTCGAGCTGGAATTTGGCTTTGATCAGCTGATCGCATCTTTCCTCAGCATCCAAC[A>C]AATTTTCGCTTTCCTTAAAAAAAAAAGAATAATAACTTCGTTGAATGATATAAGGTTTGC-3'
Protein context (NP_002461.2, residues 889-909): QLQVQAESEN[Leu899Trp]LDAEERCDQL

ClinVar aggregate classification (germline): Uncertain significance (1 of 4 stars; one submission).

Allele frequency attached by ClinVar (database versions not stated): gnomAD 0.00001; gnomAD exomes 0.00001.
gnomAD v4.1: 11 of 1,613,804 alleles (0.00068%); highest among the groups gnomAD compares: Non-Finnish European, 0.00093%; no homozygotes.

Submission:

Labcorp Genetics (formerly Invitae), Labcorp
Classification: Uncertain significance. Last evaluated: 2025-10-05. Review status: criteria provided, single submitter. Criteria: Invitae Variant Classification Sherloc (09022015). Collection method: clinical testing. Allele origin: germline.
Comment: This sequence change replaces leucine, which is neutral and non-polar, with tryptophan, which is neutral and slightly polar, at codon 899 of the MYH3 protein (p.Leu899Trp). This variant is not present in population databases (gnomAD no frequency). This variant has not been reported in the literature in individuals affected with MYH3-related conditions. ClinVar contains an entry for this variant (Variation ID: 2959655). Invitae Evidence Modeling of protein sequence and biophysical properties (such as structural, functional, and spatial information, amino acid conservation, physicochemical variation, residue mobility, and thermodynamic stability) has been performed for this missense variant. However, the output from this modeling did not meet the statistical confidence thresholds required to predict the impact of this variant on MYH3 protein function. In summary, the available evidence is currently insufficient to determine the role of this variant in disease. Therefore, it has been classified as a Variant of Uncertain Significance.